The following is an entry in ClinVar:

ClinVar aggregate classification (germline): Likely benign. Review status: criteria provided, multiple submitters, no conflicts (2 of 4 stars). 2 submissions from 2 submitters: Likely benign (2). Last evaluated 2025-06-02.

Conditions:
RAI1-related disorder. Also called: RAI1-related condition.

Allele frequency attached by ClinVar (database versions not stated): gnomAD 0.00001; TOPMed 0.00001; gnomAD exomes 0.00003.
gnomAD v4.1: 38 of 1,613,900 alleles (0.0024%); highest among the groups gnomAD compares: Non-Finnish European, 0.0032%; no homozygotes.

Submissions (2):

PreventionGenetics, part of Exact Sciences
Classification: Likely benign for RAI1-related condition. Last evaluated: 2025-06-02. Review status: criteria provided, single submitter. Criteria: ACMG Guidelines, 2015. Collection method: clinical testing. Allele origin: germline.
Comment: This variant is classified as likely benign based on ACMG/AMP sequence variant interpretation guidelines (Richards et al. 2015 PMID: 25741868, with internal and published modifications).

Labcorp Genetics (formerly Invitae), Labcorp
Classification: Likely benign. Last evaluated: 2023-08-17. Review status: criteria provided, single submitter. Criteria: Invitae Variant Classification Sherloc (09022015). Collection method: clinical testing. Allele origin: germline.

NM_030665.4(RAI1):c.5127A>G (p.Glu1709=)

Gene: RAI1 (retinoic acid induced 1; plus strand). Cytogenetic location: 17p11.2.
Variant type: single nucleotide variant.
Coding change: c.5127A>G on transcript NM_030665.4 (MANE Select); coding-DNA position 5127, A replaced by G.
Protein change: p.Glu1709=; no amino-acid change (glutamic acid 1709 retained).
Molecular consequence: synonymous variant.
Genome position (GRCh38, 1-based): chr17:17,798,075, A>G. VCF-style: chr17-17798075-A-G. GRCh37 (hg19) VCF-style: chr17-17701389-A-G.
Other names: c.5127A>G (NM_030665.3).
Identifiers: ClinVar variation 2714202 (VCV002714202.4), dbSNP rs747378761, ClinGen allele CA288371783.